The following is an entry in ClinVar:

ClinVar aggregate classification (germline): Pathogenic (1 of 4 stars; one submission).

Conditions:
Neuronal ceroid lipofuscinosis. Also called: Neuronal Ceroid Lipofuscinoses. Identifiers: Orphanet 216, Orphanet 79263, MedGen C0027877, MONDO:0016295. Disease mechanism: loss of function.

Submission:

Labcorp Genetics (formerly Invitae), Labcorp
Classification: Pathogenic for Neuronal ceroid lipofuscinosis. Last evaluated: 2023-07-16. Review status: criteria provided, single submitter. Criteria: Invitae Variant Classification Sherloc (09022015). Collection method: clinical testing. Allele origin: germline.
Comment: For these reasons, this variant has been classified as Pathogenic. This variant has not been reported in the literature in individuals affected with CLN5-related conditions. This variant is not present in population databases (gnomAD no frequency). This sequence change creates a premature translational stop signal (p.Val86Trpfs*77) in the CLN5 gene. It is expected to result in an absent or disrupted protein product. Loss-of-function variants in CLN5 are known to be pathogenic (PMID: 20157158).

Literature cited by the submitters: PubMed 20157158.

NM_006493.4(CLN5):c.109del (p.Val37fs)

Genes: CLN5 (CLN5 lysosomal BMP synthase; plus strand), LOC130009913 (ATAC-STARR-seq lymphoblastoid silent region 5414; plus strand). Cytogenetic location: 13q22.3.
Variant type: Deletion.
Coding change: c.109del on transcript NM_006493.4 (MANE Select); coding-DNA position 109, one base deleted (G; older notation c.109delG).
Protein change: p.Val37fs; shifts the reading frame from valine 37.
Molecular consequence: frameshift variant.
Genome position (GRCh38, 1-based): chr13:76,992,207, G deleted; the last of 2 consecutive G bases (chr13:76,992,206-76,992,207); deleting either gives the same sequence. VCF-style (leftmost placement, unchanged base first): chr13-76992205-CG-C. GRCh37 (hg19) VCF-style: chr13-77566340-CG-C.
Other names: c.109del, p.Val37fs (NM_001366624.2); short protein forms V37fs.
Identifiers: ClinVar variation 2743639 (VCV002743639.3), dbSNP rs2501124926, ClinGen allele CA2697551912.